The following is an entry in ClinVar:

NM_018941.4(CLN8):c.389C>T (p.Thr130Ile)

Gene: CLN8 (CLN8 transmembrane ER and ERGIC protein; plus strand). Cytogenetic location: 8p23.3.
Variant type: single nucleotide variant.
Coding change: c.389C>T on transcript NM_018941.4 (MANE Select); coding-DNA position 389, C replaced by T.
Protein change: p.Thr130Ile; replaces threonine 130 with isoleucine.
Molecular consequence: missense variant.
Genome position (GRCh38, 1-based): chr8:1,771,443, C>T. VCF-style: chr8-1771443-C-T. GRCh37 (hg19) VCF-style: chr8-1719609-C-T.
Other names: short protein forms T130I.
Identifiers: ClinVar variation 1444617 (VCV001444617.5), dbSNP rs1165037847, ClinGen allele CA369953464.

ClinVar aggregate classification (germline): Uncertain significance (1 of 4 stars; one submission).

Conditions:
Neuronal ceroid lipofuscinosis. Also called: Neuronal Ceroid Lipofuscinoses. Identifiers: Orphanet 216, Orphanet 79263, MedGen C0027877, MONDO:0016295. Disease mechanism: loss of function.

Allele frequency attached by ClinVar (database versions not stated): TOPMed 0.00001.
gnomAD v4.1: 6 of 1,614,220 alleles (0.00037%); highest among the groups gnomAD compares: Admixed American, 0.0033%; no homozygotes.

Submission:

Labcorp Genetics (formerly Invitae), Labcorp
Classification: Uncertain significance for Neuronal ceroid lipofuscinosis. Last evaluated: 2022-08-23. Review status: criteria provided, single submitter. Criteria: Invitae Variant Classification Sherloc (09022015). Collection method: clinical testing. Allele origin: germline.
Comment: This sequence change replaces threonine, which is neutral and polar, with isoleucine, which is neutral and non-polar, at codon 130 of the CLN8 protein (p.Thr130Ile). This variant is present in population databases (no rsID available, gnomAD 0.007%). This variant has not been reported in the literature in individuals affected with CLN8-related conditions. ClinVar contains an entry for this variant (Variation ID: 1444617). Algorithms developed to predict the effect of missense changes on protein structure and function are either unavailable or do not agree on the potential impact of this missense change (SIFT: "Deleterious"; PolyPhen-2: "Possibly Damaging"; Align-GVGD: "Class C0"). In summary, the available evidence is currently insufficient to determine the role of this variant in disease. Therefore, it has been classified as a Variant of Uncertain Significance.